The following is an entry in ClinVar:

NM_003060.4(SLC22A5):c.12CGA[1] (p.Asp5del)

Gene: SLC22A5 (solute carrier family 22 member 5; plus strand). Cytogenetic location: 5q31.1.
Variant type: Microsatellite.
Coding change: c.12CGA[1] on transcript NM_003060.4 (MANE Select); one copy of the 3-base unit CGA starting at c.12; the reference has two copies in a row; one copy, 3 bases deleted.
Protein change: p.Asp5del; deletes aspartic acid 5.
Molecular consequence: inframe deletion.
Genome position (GRCh38, 1-based): chr5:132,369,987-132,369,989, CGA deleted; deleting any 3 consecutive bases within chr5:132,369,983-132,369,989 gives the same sequence; the position shown is the placement nearest the transcript's 3' end. VCF-style (leftmost placement, unchanged base first): chr5-132369982-TACG-T. GRCh37 (hg19) VCF-style: chr5-131705674-TACG-T.
Other names: c.12CGA[1], p.Asp5del (NM_001308122.2); short protein forms D5del.
Identifiers: ClinVar variation 5004239 (VCV005004239.1).

ClinVar aggregate classification (germline): Uncertain significance (1 of 4 stars; one submission).

Conditions:
Renal carnitine transport defect (CDSP). Also called: CARNITINE DEFICIENCY, SYSTEMIC, DUE TO DEFECT IN RENAL REABSORPTION OF CARNITINE; CARNITINE TRANSPORTER, PLASMA-MEMBRANE, DEFICIENCY OF; CARNITINE UPTAKE DEFECT; Systemic primary carnitine deficiency; Systemic primary carnitine deficiency disease; Carnitine transporter deficiency. Identifiers: Orphanet 158, MedGen C0342788, MONDO:0008919, OMIM 212140.

Submission:

Myriad Genetics, Inc.
Classification: Uncertain significance for Renal carnitine transport defect. Last evaluated: 2025-10-23. Review status: criteria provided, single submitter. Criteria: Myriad Autosomal Dominant, Autosomal Recessive and X-Linked Classification Criteria (2023). Collection method: clinical testing. Allele origin: unknown.
Comment: NM_003060.3(SLC22A5):c.15_17delCGA(D5del) is an in-frame deletion classified as a variant of uncertain significance in the context of primary carnitine deficiency. D5del has not been observed in cases with relevant disease. Relevant functional assessments of this variant are not available in the literature. D5del has not been observed in referenced population frequency databases. In summary, there is insufficient evidence to classify NM_003060.3(SLC22A5):c.15_17delCGA(D5del) as pathogenic or benign. Please note: this variant was assessed in the context of healthy population screening.